The following is an entry in ClinVar:

NM_000875.5(IGF1R):c.3724T>G (p.Phe1242Val)

Gene: IGF1R (insulin like growth factor 1 receptor; plus strand). Cytogenetic location: 15q26.3.
Variant type: single nucleotide variant.
Coding change: c.3724T>G on transcript NM_000875.5 (MANE Select); coding-DNA position 3724, T replaced by G.
Protein change: p.Phe1242Val; replaces phenylalanine 1242 with valine.
Molecular consequence: missense variant.
Genome position (GRCh38, 1-based): chr15:98,957,062, T>G. VCF-style: chr15-98957062-T-G. GRCh37 (hg19) VCF-style: chr15-99500291-T-G.
Other names: c.3721T>G, p.Phe1241Val (NM_001291858.2); short protein forms F1241V, F1242V.
Identifiers: ClinVar variation 5008528 (VCV005008528.1).

ClinVar aggregate classification (germline): Uncertain significance (1 of 4 stars; one submission).

Submission:

GeneDx
Classification: Uncertain significance. Last evaluated: 2026-03-10. Review status: criteria provided, single submitter. Criteria: GeneDx Variant Classification Process June 2021. Collection method: clinical testing. Allele origin: germline.
Comment: Not observed at significant frequency in large population cohorts (gnomAD); In silico analysis supports that this missense variant has a deleterious effect on protein structure/function; Has not been previously published as pathogenic or benign to our knowledge; In silico analysis is inconclusive as to whether the variant alters gene splicing. In the absence of RNA/functional studies, the actual effect of this sequence change is unknown.